The following is an entry in ClinVar:

ClinVar aggregate classification (germline): Uncertain significance (1 of 4 stars; one submission).

Submission:

Dasa
Classification: Uncertain significance. Last evaluated: 2026-04-15. Review status: criteria provided, single submitter. Criteria: DASA Assertion Criteria. Collection method: clinical testing. Allele origin: germline.
Comment: NM_000138.5(FBN1):c.289C>T (p.Pro97Ser) is a missense variant that results in the substitution of proline with serine. This variant is absent from population databases. The currently available literature and clinical evidence are not sufficient to establish a definitive association between this variant and the reported condition. Therefore, this variant is classified as a variant of uncertain significance.

NM_000138.5(FBN1):c.289C>T (p.Pro97Ser)

Gene: FBN1 (fibrillin 1; minus strand). Cytogenetic location: 15q21.1.
Variant type: single nucleotide variant.
Coding change: c.289C>T on transcript NM_000138.5 (MANE Select); coding-DNA position 289, C replaced by T.
Protein change: p.Pro97Ser; replaces proline 97 with serine.
Molecular consequence: missense variant.
Genome position (GRCh38, 1-based): chr15:48,610,785, G>A on the plus strand (C>T on the coding strand, the complement: FBN1 is on the minus strand). VCF-style: chr15-48610785-G-A. GRCh37 (hg19) VCF-style: chr15-48902982-G-A.
Other names: c.289C>T, p.Pro97Ser (NM_001406716.1, NM_001406717.1); short protein forms P97S.
Identifiers: ClinVar variation 4883141 (VCV004883141.2).
Genomic context (GRCh38, chr15:48,610,785, plus strand): 5'-TACTGGATCTGGAGCCACAGGAAGGAGCTATCTGACCAGATGGGCAAGTGCACATATTTG[G>A]CCTCGAACAAAATCCATCCCCACAGGAATGCCGGCAAATGGCTGTGAATAAACCAGAGGT-3'
Protein context (NP_000129.3, residues 87-107): HSCGDGFCSR[Pro97Ser]NMCTCPSGQI